The following is an entry in ClinVar:

NM_015046.7(SETX):c.1964G>C (p.Ser655Thr)

Gene: SETX (senataxin; minus strand). Cytogenetic location: 9q34.13.
Variant type: single nucleotide variant.
Coding change: c.1964G>C on transcript NM_015046.7 (MANE Select); coding-DNA position 1964, G replaced by C.
Protein change: p.Ser655Thr; replaces serine 655 with threonine.
Molecular consequence: missense variant.
Genome position (GRCh38, 1-based): chr9:132,329,634, C>G on the plus strand (G>C on the coding strand, the complement: SETX is on the minus strand). VCF-style: chr9-132329634-C-G. GRCh37 (hg19) VCF-style: chr9-135205021-C-G.
Other names: c.1964G>C, p.Ser655Thr (NM_001351527.2, NM_001351528.2); short protein forms S655T.
Identifiers: ClinVar variation 1976393 (VCV001976393.5), dbSNP rs1847093167, ClinGen allele CA375337316.

ClinVar aggregate classification (germline): Uncertain significance (1 of 4 stars; one submission).

Conditions:
Amyotrophic lateral sclerosis type 4 (ALS4). Also called: NEURONOPATHY, DISTAL HEREDITARY MOTOR, WITH PYRAMIDAL FEATURES; AMYOTROPHIC LATERAL SCLEROSIS 4, JUVENILE. Identifiers: Orphanet 357043, MedGen C1865409, MONDO:0011223, OMIM 602433.
Spinocerebellar ataxia, autosomal recessive, with axonal neuropathy 2 (SCAN2). Also called: Ataxia with Oculomotor Apraxia; ATAXIA-OCULOMOTOR APRAXIA 2; Ataxia with Oculomotor Apraxia Type 2; Ataxia-ocular apraxia-2. Identifiers: Orphanet 64753, MedGen C1853761, MONDO:0018996, OMIM 606002.

Submission:

Labcorp Genetics (formerly Invitae), Labcorp
Classification: Uncertain significance for Amyotrophic lateral sclerosis type 4; Spinocerebellar ataxia, autosomal recessive, with axonal neuropathy 2. Last evaluated: 2023-06-26. Review status: criteria provided, single submitter. Criteria: Invitae Variant Classification Sherloc (09022015). Collection method: clinical testing. Allele origin: germline.
Comment: In summary, the available evidence is currently insufficient to determine the role of this variant in disease. Therefore, it has been classified as a Variant of Uncertain Significance. Advanced modeling of protein sequence and biophysical properties (such as structural, functional, and spatial information, amino acid conservation, physicochemical variation, residue mobility, and thermodynamic stability) performed at Invitae indicates that this missense variant is not expected to disrupt SETX protein function. ClinVar contains an entry for this variant (Variation ID: 1976393). This variant has not been reported in the literature in individuals affected with SETX-related conditions. This variant is not present in population databases (gnomAD no frequency). This sequence change replaces serine, which is neutral and polar, with threonine, which is neutral and polar, at codon 655 of the SETX protein (p.Ser655Thr).